The following is an entry in ClinVar:

ClinVar aggregate classification (germline): Pathogenic (1 of 4 stars; one submission).

Submission:

GeneDx
Classification: Pathogenic. Last evaluated: 2026-02-06. Review status: criteria provided, single submitter. Criteria: GeneDx Variant Classification Process June 2021. Collection method: clinical testing. Allele origin: germline.
Comment: Frameshift variant predicted to result in protein truncation or nonsense mediated decay in a gene for which loss of function is a known mechanism of disease; Not observed at significant frequency in large population cohorts (gnomAD); Has not been previously published as pathogenic or benign to our knowledge

NM_182931.3(KMT2E):c.1952_1953del (p.Arg651fs)

Gene: KMT2E (lysine methyltransferase 2E (inactive); plus strand). Cytogenetic location: 7q22.3.
Variant type: Microsatellite.
Coding change: c.1952_1953del on transcript NM_182931.3 (MANE Select); coding-DNA positions 1952 to 1953, 2 bases deleted (GA; older notation c.1952_1953delGA).
Protein change: p.Arg651fs; shifts the reading frame from arginine 651.
Molecular consequence: frameshift variant.
Genome position (GRCh38, 1-based): chr7:105,101,950-105,101,951, GA deleted; deleting any 2 consecutive bases within chr7:105,101,947-105,101,951 gives the same sequence; the c. name uses the placement nearest the transcript's 3' end. VCF-style (leftmost placement, unchanged base first): chr7-105101946-CAG-C. GRCh37 (hg19) VCF-style: chr7-104742393-CAG-C.
Other names: c.1952_1953del, p.Arg651fs (NM_001410908.1, NM_018682.4); short protein forms R651fs.
Identifiers: ClinVar variation 4975061 (VCV004975061.1).